The following is an entry in ClinVar:

NM_000458.4(HNF1B):c.511T>C (p.Trp171Arg)

Gene: HNF1B (HNF1 homeobox B; minus strand). Cytogenetic location: 17q12.
Variant type: single nucleotide variant.
Coding change: c.511T>C on transcript NM_000458.4 (MANE Select); coding-DNA position 511, T replaced by C.
Protein change: p.Trp171Arg; replaces tryptophan 171 with arginine.
Molecular consequence: missense variant.
Genome position (GRCh38, 1-based): chr17:37,739,473, A>G on the plus strand (T>C on the coding strand, the complement: HNF1B is on the minus strand). VCF-style: chr17-37739473-A-G. GRCh37 (hg19) VCF-style: chr17-36099464-A-G.
Other names: c.511T>C, p.Trp171Arg (NM_001165923.4, NM_001304286.2); short protein forms W171R.
Identifiers: ClinVar variation 36850 (VCV000036850.6), dbSNP rs193922490, ClinGen allele CA214361.

ClinVar aggregate classification (germline): Pathogenic/Likely pathogenic. Review status: criteria provided, multiple submitters, no conflicts (2 of 4 stars). 3 submissions from 3 submitters: Pathogenic (1); Likely pathogenic (2). Last evaluated 2023-09-21.

Conditions:
Renal cysts and diabetes syndrome (RCAD). Also called: MATURITY-ONSET DIABETES OF THE YOUNG, TYPE 5; Familial hypoplastic, glomerulocystic kidney. Identifiers: Orphanet 93111, MedGen C0431693, MONDO:0007669, OMIM 137920.

Submissions (3):

3billion
Classification: Pathogenic for Renal cysts and diabetes syndrome. Last evaluated: 2023-09-21. Review status: criteria provided, single submitter. Criteria: ACMG Guidelines, 2015. Collection method: clinical testing. Allele origin: germline. Affected: yes.
Comment: The variant is not observed in the gnomAD v2.1.1 dataset. Predicted Consequence/Location: The variant is located in a mutational hot spot and/or well-established functional domain in which established pathogenic variants have been reported (PMID: 15509593, 12453420). In silico tool predictions suggest damaging effect of the variant on gene or gene product [REVEL: 0.98 (>=0.6, sensitivity 0.68 and specificity 0.92); 3Cnet: 1.00 (>=0.6, sensitivity 0.72 and precision 0.9)]. Same nucleotide change resulting in same amino acid change has been previously reported as pathogenic/likely pathogenic with strong evidence (ClinVar ID: VCV000036850). A different missense change at the same codon (p.Trp171Cys) has been reported to be associated with HNF1B related disorder (ClinVar ID: VCV000635679 /PMID: 31198537). Therefore, this variant is classified as Pathogenic according to the recommendation of ACMG/AMP guideline.

Institute of Human Genetics, FAU Erlangen, Friedrich-Alexander-Universität Erlangen-Nürnberg
Classification: Likely pathogenic for Renal cysts and diabetes syndrome. Last evaluated: 2019-07-06. Review status: criteria provided, single submitter. Criteria: ACMG Guidelines, 2015. Collection method: literature only. Allele origin: germline. Affected: yes.
Comment: This variant and it's classification has been reported by Vasileiou et al. 2019; DOI:10.1101/576918. The variants has previously been reported in ClinVar:36850 as "NM_000458.3(HNF1B):c.511T>C (p.Trp171Arg)" with clinical significance Likely pathogenic. It has been re-classified using InterVar and manual curation as Likely pathogenic based on PM1 PM2 PM5 PP3 PP5.

Women's Health and Genetics/Laboratory Corporation of America, LabCorp
Classification: Likely pathogenic for MODY5. Last evaluated: 2011-08-18. Review status: criteria provided, single submitter. Criteria: LabCorp Variant Classification Summary - May 2015. Collection method: curation, clinical testing. Allele origin: germline. Inheritance: autosomal unknown. Affected: yes.
ClinVar note: Converted during submission from likely pathogenic to Likely pathogenic.

Literature cited by the submitters: PubMed 15509593 (cited by 3billion); PubMed 31198537 (cited by 3billion); DOI 10.1101/576918 (cited by Institute of Human Genetics, FAU Erlangen, Friedrich-Alexander-Universität Erlangen-Nürnberg).